The following is an entry in ClinVar:

NM_000238.4(KCNH2):c.1970G>T (p.Gly657Val)

Gene: KCNH2 (potassium voltage-gated channel subfamily H member 2; minus strand). Cytogenetic location: 7q36.1.
Variant type: single nucleotide variant.
Coding change: c.1970G>T on transcript NM_000238.4 (MANE Select); coding-DNA position 1970, G replaced by T.
Protein change: p.Gly657Val; replaces glycine 657 with valine.
Molecular consequence: missense variant.
Genome position (GRCh38, 1-based): chr7:150,951,096, C>A on the plus strand (G>T on the coding strand, the complement: KCNH2 is on the minus strand). VCF-style: chr7-150951096-C-A. GRCh37 (hg19) VCF-style: chr7-150648184-C-A.
Other names: c.950G>T, p.Gly317Val (NM_001204798.2, NM_172057.3); c.1682G>T, p.Gly561Val (NM_001406753.1, NM_001406756.1); c.1793G>T, p.Gly598Val (NM_001406755.1); c.1670G>T, p.Gly557Val (NM_001406757.1); c.1970G>T, p.Gly657Val (NM_172056.3); short protein forms G317V, G657V, G561V, G598V, G557V.
Identifiers: ClinVar variation 427076 (VCV000427076.5), dbSNP rs1085307943, ClinGen allele CA369857738.

ClinVar aggregate classification (germline): Likely pathogenic (1 of 4 stars; one submission).

Submission:

GeneDx
Classification: Likely pathogenic. Last evaluated: 2025-06-24. Review status: criteria provided, single submitter. Criteria: GeneDx Variant Classification Process June 2021. Collection method: clinical testing. Allele origin: germline. Affected: yes.
Comment: Not observed at significant frequency in large population cohorts (gnomAD); Published in-vitro functional studies suggest a damaging effect through a strong hyperpolarizing shift in the voltage dependence of activation stabilizing the open state (PMID: 17823114); In silico analysis supports that this missense variant has a deleterious effect on protein structure/function; This variant is associated with the following publications: (PMID: 17823114)